The following is an entry in ClinVar:

ClinVar aggregate classification (germline): Uncertain significance (1 of 4 stars; one submission).

Allele frequency attached by ClinVar (database versions not stated): gnomAD 0.00001.

Submission:

Labcorp Genetics (formerly Invitae), Labcorp
Classification: Uncertain significance. Last evaluated: 2021-07-29. Review status: criteria provided, single submitter. Criteria: Invitae Variant Classification Sherloc (09022015). Collection method: clinical testing. Allele origin: germline.
Comment: This sequence change replaces isoleucine with valine at codon 346 of the ZNF341 protein (p.Ile346Val). The isoleucine residue is highly conserved and there is a small physicochemical difference between isoleucine and valine. This variant is not present in population databases (ExAC no frequency). This variant has not been reported in the literature in individuals affected with ZNF341-related conditions. Algorithms developed to predict the effect of missense changes on protein structure and function are either unavailable or do not agree on the potential impact of this missense change (SIFT: "Deleterious"; PolyPhen-2: "Possibly Damaging"; Align-GVGD: "Class C0"). In summary, the available evidence is currently insufficient to determine the role of this variant in disease. Therefore, it has been classified as a Variant of Uncertain Significance.

NM_001282933.2(ZNF341):c.1057A>G (p.Ile353Val)

Gene: ZNF341 (zinc finger protein 341; plus strand). Cytogenetic location: 20q11.22.
Variant type: single nucleotide variant.
Coding change: c.1057A>G on transcript NM_001282933.2 (MANE Select); coding-DNA position 1057, A replaced by G.
Protein change: p.Ile353Val; replaces isoleucine 353 with valine.
Molecular consequence: missense variant. On other transcripts: non-coding transcript variant (1).
Genome position (GRCh38, 1-based): chr20:33,761,890, A>G. VCF-style: chr20-33761890-A-G. GRCh37 (hg19) VCF-style: chr20-32349696-A-G.
Other names: c.787A>G, p.Ile263Val (NM_001282935.2); c.1036A>G, p.Ile346Val (NM_032819.5); short protein forms I263V, I346V, I353V.
Identifiers: ClinVar variation 1508749 (VCV001508749.5), dbSNP rs2019300035, ClinGen allele CA408654386.